The following is an entry in ClinVar:

NM_052945.4(TNFRSF13C):c.430G>C (p.Ala144Pro)

Gene: TNFRSF13C (TNF receptor superfamily member 13C; minus strand). Cytogenetic location: 22q13.2.
Variant type: single nucleotide variant.
Coding change: c.430G>C on transcript NM_052945.4 (MANE Select); coding-DNA position 430, G replaced by C.
Protein change: p.Ala144Pro; replaces alanine 144 with proline.
Molecular consequence: missense variant.
Genome position (GRCh38, 1-based): chr22:41,925,492, C>G on the plus strand (G>C on the coding strand, the complement: TNFRSF13C is on the minus strand). VCF-style: chr22-41925492-C-G. GRCh37 (hg19) VCF-style: chr22-42321496-C-G.
Other names: short protein forms A144P.
Identifiers: ClinVar variation 4699208 (VCV004699208.1).
Genomic context (GRCh38, chr22:41,925,492, plus strand): 5'-GCACAGGGACACTGTGGCCAGGTGGGGTGGTTCCTGGGTCTTCCCCAGGAGGAGGCCAGG[C>G]AGGAGCTGTGGCATCAGAGATTCCCGGAGACAGAATGATGACCTTGTCCAGGGGCTCTGG-3'
Protein context (NP_443177.1, residues 134-154): SPGISDATAP[Ala144Pro]WPPPGEDPGT

ClinVar aggregate classification (germline): Uncertain significance (1 of 4 stars; one submission).

Conditions:
Immunodeficiency, common variable, 4. Also called: ANTIBODY DEFICIENCY DUE TO BAFFR DEFECT. Identifiers: Orphanet 1572, Orphanet 696925, MedGen C3150739, MONDO:0013284, OMIM 613494.

gnomAD v4.1: 30 of 1,613,358 alleles (0.0019%); highest among the groups gnomAD compares: Non-Finnish European, 0.0025%; no homozygotes.

Submission:

Labcorp Genetics (formerly Invitae), Labcorp
Classification: Uncertain significance for Immunodeficiency, common variable, 4. Last evaluated: 2026-01-14. Review status: criteria provided, single submitter. Criteria: Invitae Variant Classification Sherloc (09022015). Collection method: clinical testing. Allele origin: germline.
Comment: This sequence change replaces alanine, which is neutral and non-polar, with proline, which is neutral and non-polar, at codon 144 of the TNFRSF13C protein (p.Ala144Pro). This variant is present in population databases (rs775785837, gnomAD 0.007%). This variant has not been reported in the literature in individuals affected with TNFRSF13C-related conditions. An algorithm developed to predict the effect of missense changes on protein structure and function (PolyPhen-2) suggests that this variant is likely to be tolerated. In summary, the available evidence is currently insufficient to determine the role of this variant in disease. Therefore, it has been classified as a Variant of Uncertain Significance.